The following is an entry in ClinVar:

ClinVar aggregate classification (germline): Uncertain significance. Review status: criteria provided, multiple submitters, no conflicts (2 of 4 stars). 2 submissions from 2 submitters: Uncertain significance (2). Last evaluated 2025-08-05.

Conditions:
Inborn genetic diseases. Identifiers: MedGen C0950123, MeSH D030342.

Allele frequency attached by ClinVar (database versions not stated): ExAC 0.00001; gnomAD exomes 0.00001; TOPMed 0.00002; gnomAD 0.00003; ESP Exome Variant Server 0.00008.

Submissions (2):

Ambry Genetics
Classification: Uncertain significance for Inborn genetic diseases. Last evaluated: 2025-08-05. Review status: criteria provided, single submitter. Criteria: Ambry Variant Classification Scheme 2023. Collection method: clinical testing. Allele origin: germline.

Labcorp Genetics (formerly Invitae), Labcorp
Classification: Uncertain significance. Last evaluated: 2022-07-05. Review status: criteria provided, single submitter. Criteria: Invitae Variant Classification Sherloc (09022015). Collection method: clinical testing. Allele origin: germline.
Comment: Algorithms developed to predict the effect of missense changes on protein structure and function are either unavailable or do not agree on the potential impact of this missense change (SIFT: "Not Available"; PolyPhen-2: "Benign"; Align-GVGD: "Not Available"). In summary, the available evidence is currently insufficient to determine the role of this variant in disease. Therefore, it has been classified as a Variant of Uncertain Significance. This variant has not been reported in the literature in individuals affected with MYO18B-related conditions. This variant is present in population databases (rs371522488, gnomAD 0.02%). This sequence change replaces serine, which is neutral and polar, with phenylalanine, which is neutral and non-polar, at codon 181 of the MYO18B protein (p.Ser181Phe).

NM_032608.7(MYO18B):c.542C>T (p.Ser181Phe)

Gene: MYO18B (myosin XVIIIB; plus strand). Cytogenetic location: 22q12.1.
Variant type: single nucleotide variant.
Coding change: c.542C>T on transcript NM_032608.7 (MANE Select); coding-DNA position 542, C replaced by T.
Protein change: p.Ser181Phe; replaces serine 181 with phenylalanine.
Molecular consequence: missense variant.
Genome position (GRCh38, 1-based): chr22:25,768,458, C>T. VCF-style: chr22-25768458-C-T. GRCh37 (hg19) VCF-style: chr22-26164425-C-T.
Other names: c.542C>T (NM_032608.5); c.542C>T, p.Ser181Phe (NM_001318245.2); short protein forms S181F.
Identifiers: ClinVar variation 1964520 (VCV001964520.5), dbSNP rs371522488, ClinGen allele CA10159630.
Genomic context (GRCh38, chr22:25,768,458, plus strand): 5'-ACCCGGACTCAGCCAAGCCAGAGAAGACTCATCCCCATGACGCCCCCCCTTGCAAGACCT[C>T]TCCCCCCGCCACAGATACTGGAAAGGAAAAGAAAGGGGAGACCTCTAGGACTCCTTGTGG-3'
Protein context (NP_115997.5, residues 171-191): HPHDAPPCKT[Ser181Phe]PPATDTGKEK